The following is an entry in ClinVar:

ClinVar aggregate classification (germline): Uncertain significance (1 of 4 stars; one submission).

Submission:

Labcorp Genetics (formerly Invitae), Labcorp
Classification: Uncertain significance. Last evaluated: 2021-04-02. Review status: criteria provided, single submitter. Criteria: Invitae Variant Classification Sherloc (09022015). Collection method: clinical testing. Allele origin: germline.
Comment: In summary, the available evidence is currently insufficient to determine the role of this variant in disease. Therefore, it has been classified as a Variant of Uncertain Significance. Algorithms developed to predict the effect of missense changes on protein structure and function are either unavailable or do not agree on the potential impact of this missense change (SIFT: "Deleterious"; PolyPhen-2: "Possibly Damaging"; Align-GVGD: "Class C0"). This variant has not been reported in the literature in individuals with HPS5-related conditions. This variant is not present in population databases (ExAC no frequency). This sequence change replaces leucine with proline at codon 796 of the HPS5 protein (p.Leu796Pro). The leucine residue is moderately conserved and there is a moderate physicochemical difference between leucine and proline.

NM_181507.2(HPS5):c.2387T>C (p.Leu796Pro)

Gene: HPS5 (HPS5 biogenesis of lysosomal organelles complex 2 subunit 2; minus strand). Cytogenetic location: 11p15.1.
Variant type: single nucleotide variant.
Coding change: c.2387T>C on transcript NM_181507.2 (MANE Select); coding-DNA position 2387, T replaced by C.
Protein change: p.Leu796Pro; replaces leucine 796 with proline.
Molecular consequence: missense variant.
Genome position (GRCh38, 1-based): chr11:18,291,495, A>G on the plus strand (T>C on the coding strand, the complement: HPS5 is on the minus strand). VCF-style: chr11-18291495-A-G. GRCh37 (hg19) VCF-style: chr11-18313042-A-G.
Other names: c.2045T>C, p.Leu682Pro (NM_007216.4, NM_181508.2); short protein forms L682P, L796P.
Identifiers: ClinVar variation 1356727 (VCV001356727.8), dbSNP rs1860399698, ClinGen allele CA379488888.